The following is an entry in ClinVar:

ClinVar aggregate classification (germline): Uncertain significance. Review status: criteria provided, multiple submitters, no conflicts (2 of 4 stars). 2 submissions from 2 submitters: Uncertain significance (2). Last evaluated 2023-12-12.

Conditions:
Inborn genetic diseases. Identifiers: MedGen C0950123, MeSH D030342.

Allele frequency attached by ClinVar (database versions not stated): gnomAD exomes below 0.00001; ExAC 0.00002; gnomAD 0.00003; TOPMed 0.00003; 1000 Genomes Project 30x 0.00031; 1000 Genomes Project 0.00040.
gnomAD v4.1: 10 of 1,610,888 alleles (0.00062%); highest among the groups gnomAD compares: East Asian, 0.018%; no homozygotes.

Submissions (3):

Ambry Genetics
Classification: Uncertain significance for Inborn genetic diseases. Last evaluated: 2023-12-12. Review status: criteria provided, single submitter. Criteria: Ambry Variant Classification Scheme 2023. Collection method: clinical testing. Allele origin: germline.

Labcorp Genetics (formerly Invitae), Labcorp
Classification: Uncertain significance. Last evaluated: 2022-11-01. Review status: criteria provided, single submitter. Criteria: Invitae Variant Classification Sherloc (09022015). Collection method: clinical testing. Allele origin: germline.
Comment: In summary, the available evidence is currently insufficient to determine the role of this variant in disease. Therefore, it has been classified as a Variant of Uncertain Significance. Algorithms developed to predict the effect of missense changes on protein structure and function (SIFT, PolyPhen-2, Align-GVGD) all suggest that this variant is likely to be disruptive. This variant has not been reported in the literature in individuals affected with MPDZ-related conditions. This variant is present in population databases (rs186287156, gnomAD 0.02%). This sequence change replaces valine, which is neutral and non-polar, with phenylalanine, which is neutral and non-polar, at codon 1880 of the MPDZ protein (p.Val1880Phe).

Dr. Peter K. Rogan Lab, Western University
No classification provided (evidence only). Condition: Hepatocellular carcinoma. Review status: no classification provided. Collection method: in vitro. Allele origin: not applicable. Functional consequence: retained intron. Not counted in ClinVar's aggregate classification.

NM_001378778.1(MPDZ):c.5725G>T (p.Val1909Phe)

Gene: MPDZ (multiple PDZ domain crumbs cell polarity complex component; minus strand). Cytogenetic location: 9p23.
Variant type: single nucleotide variant.
Coding change: c.5725G>T on transcript NM_001378778.1 (MANE Select); coding-DNA position 5725, G replaced by T.
Protein change: p.Val1909Phe; replaces valine 1909 with phenylalanine.
Molecular consequence: missense variant.
Genome position (GRCh38, 1-based): chr9:13,110,740, C>A on the plus strand (G>T on the coding strand, the complement: MPDZ is on the minus strand). VCF-style: chr9-13110740-C-A. GRCh37 (hg19) VCF-style: chr9-13110739-C-A.
Other names: c.5638G>T (NM_003829.3); c.5626G>T, p.Val1876Phe (NM_001261406.2, NM_001375416.1, NM_001375417.1 and 1 more transcripts); c.5539G>T, p.Val1847Phe (NM_001261407.2, NM_001375419.1); c.5725G>T, p.Val1909Phe (NM_001330637.2); c.5824G>T, p.Val1942Phe (NM_001375413.1); c.5515G>T, p.Val1839Phe (NM_001375420.1, NM_001375421.1, NM_001375422.1 and 2 more transcripts); c.5428G>T, p.Val1810Phe (NM_001375425.1, NM_001375426.1); c.5317G>T, p.Val1773Phe (NM_001375427.1); and 1 more; short protein forms V1942F, V1839F, V1847F, V1876F, V1880F, V1909F, V1773F, V1810F.
Identifiers: ClinVar variation 2108695 (VCV002108695.6), dbSNP rs186287156, ClinGen allele CA4986130.
Genomic context (GRCh38, chr9:13,110,740, plus strand): 5'-CTTGGGTGTGAGTCATGCCCTCAGTGGATGTGCCACAGATGGTGACAATCCTATCCCCAA[C>A]CTGCAAGGGAGAGAAAGAAACAGCCATCTGCTAAAGCAGCCATGGAGAGTGGGTCTTTGA-3'
Protein context (NP_001365707.1, residues 1899-1919): GVAAQTQKLR[Val1909Phe]GDRIVTICGT